The following is an entry in ClinVar:

NM_000179.3(MSH6):c.125_132dup (p.Gly45fs)

Gene: MSH6 (mutS homolog 6; plus strand). Cytogenetic location: 2p16.3.
Variant type: Duplication.
Coding change: c.125_132dup on transcript NM_000179.3 (MANE Select); coding-DNA positions 125 to 132, 8 bases duplicated (CTTCCCCA; older notation c.125_132dupCTTCCCCA).
Protein change: p.Gly45fs; shifts the reading frame from glycine 45.
Molecular consequence: frameshift variant. On other transcripts: 5 prime UTR variant (1).
Genome position (GRCh38, 1-based): chr2:47,783,358-47,783,365, CTTCCCCA duplicated. VCF-style (leftmost placement, unchanged base first): chr2-47783357-C-CCTTCCCCA. GRCh37 (hg19) VCF-style: chr2-48010496-C-CCTTCCCCA.
Other names: c.125_132dup, p.Gly45fs (NM_001281492.2); c.-612_-605dup (NM_001281493.2); c.125_132dupCTTCCCCA (NM_000179.2); short protein forms G45fs.
Identifiers: ClinVar variation 487428 (VCV000487428.5), dbSNP rs1553408245, ClinGen allele CA658657035.

ClinVar aggregate classification (germline): Pathogenic. Review status: criteria provided, multiple submitters, no conflicts (2 of 4 stars). 3 submissions from 3 submitters: Pathogenic (2). 1 of the submissions does not count toward it. Last evaluated 2025-05-01.

Conditions:
Hereditary cancer-predisposing syndrome. Also called: Tumor predisposition; Hereditary Cancer Syndrome; Hereditary neoplastic syndrome; Neoplastic Syndromes, Hereditary. Identifiers: Orphanet 140162, MedGen C0027672, MeSH D009386, MONDO:0015356.
Lynch syndrome 5 (LYNCH5). Also called: Hereditary non-polyposis colorectal cancer, type 5; Colorectal cancer, hereditary nonpolyposis, type 5. Identifiers: Orphanet 144, MedGen C1833477, MONDO:0013710, OMIM 614350. Disease mechanism: loss of function.

Submissions (3):

Ambry Genetics
Classification: Pathogenic for Hereditary cancer-predisposing syndrome. Last evaluated: 2025-05-01. Review status: criteria provided, single submitter. Criteria: Ambry Variant Classification Scheme 2023. Collection method: clinical testing. Allele origin: germline.
Comment: The c.125_132dupCTTCCCCA pathogenic mutation, located in coding exon 1 of the MSH6 gene, results from a duplication of CTTCCCCA at nucleotide positions 125 to 132, causing a translational frameshift with a predicted alternate stop codon (p.G45Lfs*39). This variant is considered to be rare based on population cohorts in the Genome Aggregation Database (gnomAD). This alteration is expected to result in loss of function by premature protein truncation or nonsense-mediated mRNA decay. As such, this alteration is interpreted as a disease-causing mutation.

Myriad Genetics, Inc.
Classification: Pathogenic for Lynch syndrome 5. Last evaluated: 2023-03-27. Review status: criteria provided, single submitter. Criteria: Myriad Autosomal Dominant, Autosomal Recessive and X-Linked Classification Criteria (2023). Collection method: clinical testing. Allele origin: unknown.
Comment: This variant is considered pathogenic. This variant creates a frameshift predicted to result in premature protein truncation.

Counsyl
Classification: Likely pathogenic for Lynch syndrome 5. Last evaluated: 2017-03-15. Review status: no assertion criteria provided. Collection method: clinical testing. Allele origin: unknown. Not counted in ClinVar's aggregate classification.